The following is an entry in ClinVar:

NM_018109.4(MTPAP):c.1681T>G (p.Leu561Val)

Gene: MTPAP (mitochondrial poly(A) polymerase; minus strand). Cytogenetic location: 10p11.23.
Variant type: single nucleotide variant.
Coding change: c.1681T>G on transcript NM_018109.4 (MANE Select); coding-DNA position 1681, T replaced by G.
Protein change: p.Leu561Val; replaces leucine 561 with valine.
Molecular consequence: missense variant.
Genome position (GRCh38, 1-based): chr10:30,313,677, A>C on the plus strand (T>G on the coding strand, the complement: MTPAP is on the minus strand). VCF-style: chr10-30313677-A-C. GRCh37 (hg19) VCF-style: chr10-30602606-A-C.
Other names: short protein forms L561V.
Identifiers: ClinVar variation 3687785 (VCV003687785.2).

ClinVar aggregate classification (germline): Uncertain significance (1 of 4 stars; one submission).

gnomAD v4.1: 2 of 1,614,144 alleles (0.00012%); highest among the groups gnomAD compares: Non-Finnish European, 0.00017%; no homozygotes.

Submission:

Labcorp Genetics (formerly Invitae), Labcorp
Classification: Uncertain significance. Last evaluated: 2024-10-07. Review status: criteria provided, single submitter. Criteria: Invitae Variant Classification Sherloc (09022015). Collection method: clinical testing. Allele origin: germline.
Comment: This sequence change replaces leucine, which is neutral and non-polar, with valine, which is neutral and non-polar, at codon 561 of the MTPAP protein (p.Leu561Val). This variant is not present in population databases (gnomAD no frequency). This variant has not been reported in the literature in individuals affected with MTPAP-related conditions. An algorithm developed to predict the effect of missense changes on protein structure and function outputs the following: PolyPhen-2: "Benign". The valine amino acid residue is found in multiple mammalian species, which suggests that this missense change does not adversely affect protein function. In summary, the available evidence is currently insufficient to determine the role of this variant in disease. Therefore, it has been classified as a Variant of Uncertain Significance.